The following is an entry in ClinVar:

ClinVar aggregate classification (germline): Uncertain significance. Review status: criteria provided, multiple submitters, no conflicts (2 of 4 stars). 2 submissions from 2 submitters: Uncertain significance (2). Last evaluated 2023-08-15.

Conditions:
Inborn genetic diseases. Identifiers: MedGen C0950123, MeSH D030342.

Allele frequency attached by ClinVar (database versions not stated): gnomAD 0.00001.
gnomAD v4.1: 5 of 1,613,042 alleles (0.00031%); highest among the groups gnomAD compares: South Asian, 0.0055%; no homozygotes.

Submissions (2):

Ambry Genetics
Classification: Uncertain significance for Inborn genetic diseases. Last evaluated: 2023-08-15. Review status: criteria provided, single submitter. Criteria: Ambry Variant Classification Scheme 2023. Collection method: clinical testing. Allele origin: germline.

Labcorp Genetics (formerly Invitae), Labcorp
Classification: Uncertain significance. Last evaluated: 2022-10-13. Review status: criteria provided, single submitter. Criteria: Invitae Variant Classification Sherloc (09022015). Collection method: clinical testing. Allele origin: germline.
Comment: This sequence change replaces proline, which is neutral and non-polar, with arginine, which is basic and polar, at codon 524 of the PCDH15 protein (p.Pro524Arg). This variant is not present in population databases (gnomAD no frequency). This variant has not been reported in the literature in individuals affected with PCDH15-related conditions. Advanced modeling of protein sequence and biophysical properties (such as structural, functional, and spatial information, amino acid conservation, physicochemical variation, residue mobility, and thermodynamic stability) performed at Invitae indicates that this missense variant is expected to disrupt PCDH15 protein function. In summary, the available evidence is currently insufficient to determine the role of this variant in disease. Therefore, it has been classified as a Variant of Uncertain Significance.

NM_001384140.1(PCDH15):c.1571C>G (p.Pro524Arg)

Gene: PCDH15 (protocadherin related 15; minus strand). Cytogenetic location: 10q21.1.
Variant type: single nucleotide variant.
Coding change: c.1571C>G on transcript NM_001384140.1 (MANE Select); coding-DNA position 1571, C replaced by G.
Protein change: p.Pro524Arg; replaces proline 524 with arginine.
Molecular consequence: missense variant.
Genome position (GRCh38, 1-based): chr10:54,183,463, G>C on the plus strand (C>G on the coding strand, the complement: PCDH15 is on the minus strand). VCF-style: chr10-54183463-G-C. GRCh37 (hg19) VCF-style: chr10-55943223-G-C.
Other names: c.1586C>G, p.Pro529Arg (NM_001142763.2, NM_001142771.2); c.1571C>G, p.Pro524Arg (NM_001142764.2, NM_001142765.2, NM_001142766.2 and 6 more transcripts); c.1460C>G, p.Pro487Arg (NM_001142767.2); c.1505C>G, p.Pro502Arg (NM_001142768.2, NM_001142773.2, NM_001354404.2); c.1607C>G, p.Pro536Arg (NM_001142769.4); c.1592C>G, p.Pro531Arg (NM_001354411.2); short protein forms P487R, P531R, P524R, P529R, P502R, P536R.
Identifiers: ClinVar variation 2166102 (VCV002166102.3), dbSNP rs1376004364, ClinGen allele CA376514484.